The following is an entry in ClinVar:

NM_032776.3(JMJD1C):c.7621T>G (p.Ter2541Glu)

Gene: JMJD1C (jumonji domain containing 1C; minus strand). Cytogenetic location: 10q21.3.
Variant type: single nucleotide variant.
Coding change: c.7621T>G on transcript NM_032776.3 (MANE Select); coding-DNA position 7621, T replaced by G.
Protein change: p.Ter2541Glu.
Molecular consequence: stop lost. On other transcripts: non-coding transcript variant (1).
Genome position (GRCh38, 1-based): chr10:63,168,047, A>C on the plus strand (T>G on the coding strand, the complement: JMJD1C is on the minus strand). VCF-style: chr10-63168047-A-C. GRCh37 (hg19) VCF-style: chr10-64927807-A-C.
Other names: *2503E; *2253E; *2359E; *2322E; *2541E; c.7075T>G, p.Ter2359Glu (NM_001282948.2, NM_001318154.2); c.6757T>G, p.Ter2253Glu (NM_001318153.2); c.7507T>G, p.Ter2503Glu (NM_001322252.2); and 1 more.
Identifiers: ClinVar variation 946165 (VCV000946165.9), dbSNP rs371070678, ClinGen allele CA5517608.

ClinVar aggregate classification (germline): Uncertain significance (1 of 4 stars; one submission).

Conditions:
Early Myoclonic Encephalopathy. Identifiers: MedGen C0270855.

Allele frequency attached by ClinVar (database versions not stated): TOPMed 0.00004; gnomAD exomes 0.00002 and 0.00005; ESP Exome Variant Server 0.00008; ExAC 0.00001; gnomAD 0.00003.
gnomAD v4.1: 76 of 1,552,678 alleles (0.0049%); highest among the groups gnomAD compares: Non-Finnish European, 0.006%; no homozygotes.

Submission:

Labcorp Genetics (formerly Invitae), Labcorp
Classification: Uncertain significance for Early Myoclonic Encephalopathy. Last evaluated: 2022-10-13. Review status: criteria provided, single submitter. Criteria: Invitae Variant Classification Sherloc (09022015). Collection method: clinical testing. Allele origin: germline.
Comment: This variant has not been reported in the literature in individuals affected with JMJD1C-related conditions. This variant is present in population databases (rs371070678, gnomAD 0.004%). This sequence change disrupts the translational stop signal of the JMJD1C mRNA. It is expected to extend the length of the JMJD1C protein by 2 additional amino acid residues. ClinVar contains an entry for this variant (Variation ID: 946165). In summary, the available evidence is currently insufficient to determine the role of this variant in disease. Therefore, it has been classified as a Variant of Uncertain Significance. Experimental studies and prediction algorithms are not available or were not evaluated, and the functional significance of this variant is currently unknown.